The following is an entry in ClinVar:

ClinVar aggregate classification (germline): Uncertain significance. Review status: criteria provided, multiple submitters, no conflicts (2 of 4 stars). 2 submissions from 2 submitters: Uncertain significance (2). Last evaluated 2024-12-03.

Conditions:
SCN8A-related disorder.
Early-infantile DEE. Also called: Early infantile epileptic encephalopathy with suppression bursts; Ohtahara syndrome; Early infantile epileptic encephalopathy. Identifiers: Orphanet 1934, MedGen C0393706, MONDO:0800491.

Allele frequency attached by ClinVar (database versions not stated): TOPMed below 0.00001; ExAC 0.00001; gnomAD exomes 0.00001.
gnomAD v4.1: 3 of 1,613,470 alleles (0.00019%); highest among the groups gnomAD compares: Admixed American, 0.0017%; no homozygotes.

Submissions (2):

PreventionGenetics, part of Exact Sciences
Classification: Uncertain significance for SCN8A-related condition. Last evaluated: 2024-12-03. Review status: criteria provided, single submitter. Criteria: ACMG Guidelines, 2015. Collection method: clinical testing. Allele origin: germline.
Comment: The SCN8A c.508A>T variant is predicted to result in the amino acid substitution p.Thr170Ser. To our knowledge, this variant has not been reported in the literature. This variant is reported in 0.0029% of alleles in individuals of Latino descent in gnomAD. At this time, the clinical significance of this variant is uncertain due to the absence of conclusive functional and genetic evidence.

Labcorp Genetics (formerly Invitae), Labcorp
Classification: Uncertain significance for Early-infantile DEE. Last evaluated: 2021-02-04. Review status: criteria provided, single submitter. Criteria: Invitae Variant Classification Sherloc (09022015). Collection method: clinical testing. Allele origin: germline.
Comment: In summary, the available evidence is currently insufficient to determine the role of this variant in disease. Therefore, it has been classified as a Variant of Uncertain Significance. This variant is present in population databases (rs763847342, ExAC 0.002%). This sequence change replaces threonine with serine at codon 170 of the SCN8A protein (p.Thr170Ser). The threonine residue is highly conserved and there is a small physicochemical difference between threonine and serine. This variant has not been reported in the literature in individuals with SCN8A-related conditions. Algorithms developed to predict the effect of missense changes on protein structure and function are either unavailable or do not agree on the potential impact of this missense change (SIFT: "Deleterious"; PolyPhen-2: "Probably Damaging"; Align-GVGD: "Class C0").

NM_001330260.2(SCN8A):c.508A>T (p.Thr170Ser)

Gene: SCN8A (sodium voltage-gated channel alpha subunit 8; plus strand). Cytogenetic location: 12q13.13.
Variant type: single nucleotide variant.
Coding change: c.508A>T on transcript NM_001330260.2 (MANE Select); coding-DNA position 508, A replaced by T.
Protein change: p.Thr170Ser; replaces threonine 170 with serine.
Molecular consequence: missense variant.
Genome position (GRCh38, 1-based): chr12:51,687,113, A>T. VCF-style: chr12-51687113-A-T. GRCh37 (hg19) VCF-style: chr12-52080897-A-T.
Other names: c.508A>T, p.Thr170Ser (NM_001177984.3, NM_001369788.1, NM_014191.4); c.508A>T (NM_014191.3); short protein forms T170S.
Identifiers: ClinVar variation 1015662 (VCV001015662.10), dbSNP rs763847342, ClinGen allele CA6571078.